The following is an entry in ClinVar:

ClinVar aggregate classification (germline): Likely benign (1 of 4 stars; one submission).

Allele frequency attached by ClinVar (database versions not stated): gnomAD exomes 0.00001; TOPMed 0.00001; ExAC 0.00003; gnomAD 0.00003.

Submission:

CeGaT Center for Human Genetics Tuebingen
Classification: Likely benign. Last evaluated: 2022-11-01. Review status: criteria provided, single submitter. Criteria: CeGaT Center For Human Genetics Tuebingen Variant Classification Criteria Version 2. Collection method: clinical testing. Allele origin: germline. Affected: yes. Observed: 1 variant allele.
Comment: COL6A6: BP4

NM_001102608.3(COL6A6):c.1370C>T (p.Thr457Met)

Gene: COL6A6 (collagen type VI alpha 6 chain; plus strand). Cytogenetic location: 3q22.1.
Variant type: single nucleotide variant.
Coding change: c.1370C>T on transcript NM_001102608.3 (MANE Select); coding-DNA position 1370, C replaced by T.
Protein change: p.Thr457Met; replaces threonine 457 with methionine.
Molecular consequence: missense variant.
Genome position (GRCh38, 1-based): chr3:130,566,789, C>T. VCF-style: chr3-130566789-C-T. GRCh37 (hg19) VCF-style: chr3-130285633-C-T.
Other names: short protein forms T457M.
Identifiers: ClinVar variation 2654138 (VCV002654138.24), dbSNP rs777747583, ClinGen allele CA2612148.